The following is an entry in ClinVar:

NM_000051.4(ATM):c.8720C>T (p.Pro2907Leu)

Genes: ATM (ATM serine/threonine kinase; plus strand), C11orf65 (chromosome 11 open reading frame 65; minus strand). Cytogenetic location: 11q22.3.
Variant type: single nucleotide variant.
Coding change: c.8720C>T on transcript NM_000051.4 (MANE Select); coding-DNA position 8720, C replaced by T.
Protein change: p.Pro2907Leu; replaces proline 2907 with leucine.
Molecular consequence: missense variant. On other transcripts: intron variant (2).
Genome position (GRCh38, 1-based): chr11:108,353,814, C>T. VCF-style: chr11-108353814-C-T. GRCh37 (hg19) VCF-style: chr11-108224541-C-T.
Other names: c.8720C>T, p.Pro2907Leu (NM_001351834.2); c.640+32106G>A (NM_001330368.2); c.695-18522G>A (NM_001351110.2); short protein forms P2907L.
Identifiers: ClinVar variation 3606985 (VCV003606985.2).

ClinVar aggregate classification (germline): Uncertain significance (1 of 4 stars; one submission).

Conditions:
Ataxia-telangiectasia syndrome (AT). Also called: LOUIS-BAR SYNDROME; Cerebello-oculocutaneous telangiectasia; Immunodeficiency with ataxia telangiectasia; ATAXIA-TELANGIECTASIA, COMPLEMENTATION GROUP A; ATAXIA-TELANGIECTASIA, FRESNO VARIANT; Ataxia-telangiectasia. Identifiers: Orphanet 100, MedGen C0004135, MONDO:0008840, OMIM 208900.

Submission:

Labcorp Genetics (formerly Invitae), Labcorp
Classification: Uncertain significance for Ataxia-telangiectasia syndrome. Last evaluated: 2024-02-03. Review status: criteria provided, single submitter. Criteria: Invitae Variant Classification Sherloc (09022015). Collection method: clinical testing. Allele origin: germline.
Comment: This sequence change replaces proline, which is neutral and non-polar, with leucine, which is neutral and non-polar, at codon 2907 of the ATM protein (p.Pro2907Leu). This variant is not present in population databases (gnomAD no frequency). This variant has not been reported in the literature in individuals affected with ATM-related conditions. An algorithm developed to predict the effect of missense changes on protein structure and function (PolyPhen-2) suggests that this variant is likely to be disruptive. In summary, the available evidence is currently insufficient to determine the role of this variant in disease. Therefore, it has been classified as a Variant of Uncertain Significance.